The following is an entry in ClinVar:

NM_014572.3(LATS2):c.1134G>A (p.Arg378=)

Gene: LATS2 (large tumor suppressor kinase 2; minus strand). Cytogenetic location: 13q12.11.
Variant type: single nucleotide variant.
Coding change: c.1134G>A on transcript NM_014572.3 (MANE Select); coding-DNA position 1134, G replaced by A.
Protein change: p.Arg378=; no amino-acid change (arginine 378 retained).
Molecular consequence: synonymous variant.
Genome position (GRCh38, 1-based): chr13:20,988,646, C>T on the plus strand (G>A on the coding strand, the complement: LATS2 is on the minus strand). VCF-style: chr13-20988646-C-T. GRCh37 (hg19) VCF-style: chr13-21562785-C-T.
Identifiers: ClinVar variation 727790 (VCV000727790.28), dbSNP rs369167901, ClinGen allele CA6907301.

ClinVar aggregate classification (germline): Benign/Likely benign. Review status: criteria provided, multiple submitters, no conflicts (2 of 4 stars). 3 submissions from 3 submitters: Benign (2); Likely benign (1). Last evaluated 2022-09-01.

Allele frequency attached by ClinVar (database versions not stated): ESP Exome Variant Server 0.00032; gnomAD 0.00044 and 0.00048; TOPMed 0.00045; 1000 Genomes Project 30x 0.00047; gnomAD exomes 0.00053 and 0.00067; 1000 Genomes Project 0.00060; ExAC 0.00078.
gnomAD v4.1: 844 of 1,582,758 alleles (0.053%); highest among the groups gnomAD compares: Middle Eastern, 0.32%; 2 homozygotes.

Submissions (3):

CeGaT Center for Human Genetics Tuebingen
Classification: Likely benign. Last evaluated: 2022-09-01. Review status: criteria provided, single submitter. Criteria: CeGaT Center For Human Genetics Tuebingen Variant Classification Criteria Version 2. Collection method: clinical testing. Allele origin: germline. Affected: yes. Observed: 1 variant allele.
Comment: LATS2: BP4, BP7

Labcorp Genetics (formerly Invitae), Labcorp
Classification: Benign. Last evaluated: 2018-05-12. Review status: criteria provided, single submitter. Criteria: Invitae Variant Classification Sherloc (09022015). Collection method: clinical testing. Allele origin: germline.

Breakthrough Genomics
Classification: Benign. Review status: criteria provided, single submitter. Criteria: ACMG Guidelines, 2015. Collection method: not provided. Allele origin: germline. Inheritance: Unknown mechanism. Affected: yes.